The following is an entry in ClinVar:

NM_001244008.2(KIF1A):c.599A>G (p.Asn200Ser)

Gene: KIF1A (kinesin family member 1A; minus strand). Cytogenetic location: 2q37.3.
Variant type: single nucleotide variant.
Coding change: c.599A>G on transcript NM_001244008.2 (MANE Select); coding-DNA position 599, A replaced by G.
Protein change: p.Asn200Ser; replaces asparagine 200 with serine.
Molecular consequence: missense variant.
Genome position (GRCh38, 1-based): chr2:240,786,344, T>C on the plus strand (A>G on the coding strand, the complement: KIF1A is on the minus strand). VCF-style: chr2-240786344-T-C. GRCh37 (hg19) VCF-style: chr2-241725761-T-C.
Other names: c.599A>G, p.Asn200Ser (NM_001379645.1, NM_001379646.1, NM_001379648.1 and 20 more transcripts); short protein forms N200S.
Identifiers: ClinVar variation 4072254 (VCV004072254.1).

ClinVar aggregate classification (germline): Uncertain significance (1 of 4 stars; one submission).

Conditions:
Intellectual disability, autosomal dominant 9 (NESCAVS). Also called: NESCAV SYNDROME; KIF1A-Related Neurodevelopmental Disorder. Identifiers: Orphanet 662367, MedGen C5393830, MONDO:0013656, OMIM 614255.

Submission:

3billion
Classification: Uncertain significance for Intellectual disability, autosomal dominant 9. Last evaluated: 2025-03-20. Review status: criteria provided, single submitter. Criteria: ACMG Guidelines, 2015. Collection method: clinical testing. Allele origin: germline. Affected: yes.
Comment: The variant is not observed in the gnomAD v4.1.0 dataset. Predicted Consequence/Location: The variant is located in a mutational hot spot and/or well-established functional domain in which established pathogenic variants have been reported (PMID: 31488895). In silico tool predictions suggest damaging effect of the variant on gene or gene product [3Cnet: 0.99 (> 0.75, sensitivity 0.96 and precision 0.92)]. Therefore, this variant is classified as VUS according to the recommendation of ACMG/AMP guideline.